The following is an entry in ClinVar:

ClinVar aggregate classification (germline): Likely benign (0 of 4 stars; one submission).

Conditions:
FOXA3-related disorder. Also called: FOXA3-related condition.

Allele frequency attached by ClinVar (database versions not stated): gnomAD exomes 0.00010; ExAC 0.00016; TOPMed 0.00026; gnomAD 0.00027; 1000 Genomes Project 0.00040; 1000 Genomes Project 30x 0.00047; ESP Exome Variant Server 0.00062.

Submission:

PreventionGenetics, part of Exact Sciences
Classification: Likely benign for FOXA3-related condition. Last evaluated: 2019-06-25. Review status: no assertion criteria provided. Collection method: clinical testing. Allele origin: germline.
Comment: This variant is classified as likely benign based on ACMG/AMP sequence variant interpretation guidelines (Richards et al. 2015 PMID: 25741868, with internal and published modifications).

NM_004497.3(FOXA3):c.963C>T (p.Asp321=)

Gene: FOXA3 (forkhead box A3; plus strand). Cytogenetic location: 19q13.32.
Variant type: single nucleotide variant.
Coding change: c.963C>T on transcript NM_004497.3 (MANE Select); coding-DNA position 963, C replaced by T.
Protein change: p.Asp321=; no amino-acid change (aspartic acid 321 retained).
Molecular consequence: synonymous variant.
Genome position (GRCh38, 1-based): chr19:45,872,968, C>T. VCF-style: chr19-45872968-C-T. GRCh37 (hg19) VCF-style: chr19-46376226-C-T.
Identifiers: ClinVar variation 3042890 (VCV003042890.2), dbSNP rs146135785, ClinGen allele CA9524632.